The following is an entry in ClinVar:

NM_000321.3(RB1):c.1815-3T>G

Gene: RB1 (RB transcriptional corepressor 1; plus strand). Cytogenetic location: 13q14.2.
Variant type: single nucleotide variant.
Coding change: c.1815-3T>G on transcript NM_000321.3 (MANE Select); 3 bases into the intron before coding-DNA position 1815, T replaced by G.
Molecular consequence: intron variant.
Genome position (GRCh38, 1-based): chr13:48,456,201, T>G. VCF-style: chr13-48456201-T-G. GRCh37 (hg19) VCF-style: chr13-49030337-T-G.
Other names: c.1815-3T>G (NM_000321.2).
Identifiers: ClinVar variation 1405569 (VCV001405569.7), dbSNP rs2138330949, ClinGen allele CA2573149576.

ClinVar aggregate classification (germline): Uncertain significance. Review status: criteria provided, multiple submitters, no conflicts (2 of 4 stars). 2 submissions from 2 submitters: Uncertain significance (2). Last evaluated 2024-12-04.

Conditions:
Retinoblastoma (RB1). Also called: RETINOBLASTOMA, SOMATIC. Identifiers: Orphanet 790, MedGen C0035335, MeSH D012175, MONDO:0008380, OMIM 180200, HP:0009919. Disease mechanism: loss of function. Inheritance: Both sporadic and heritable forms are tested..
Hereditary cancer-predisposing syndrome. Also called: Hereditary neoplastic syndrome; Hereditary Cancer Syndrome; Neoplastic Syndromes, Hereditary; Tumor predisposition. Identifiers: Orphanet 140162, MedGen C0027672, MeSH D009386, MONDO:0015356.

Submissions (2):

Labcorp Genetics (formerly Invitae), Labcorp
Classification: Uncertain significance for Retinoblastoma. Last evaluated: 2024-12-04. Review status: criteria provided, single submitter. Criteria: Invitae Variant Classification Sherloc (09022015). Collection method: clinical testing. Allele origin: germline.
Comment: This sequence change falls in intron 18 of the RB1 gene. It does not directly change the encoded amino acid sequence of the RB1 protein. It affects a nucleotide within the consensus splice site. This variant is not present in population databases (gnomAD no frequency). This variant has not been reported in the literature in individuals affected with RB1-related conditions. ClinVar contains an entry for this variant (Variation ID: 1405569). Variants that disrupt the consensus splice site are a relatively common cause of aberrant splicing (PMID: 17576681, 9536098). Algorithms developed to predict the effect of sequence changes on RNA splicing suggest that this variant may disrupt the consensus splice site. In summary, the available evidence is currently insufficient to determine the role of this variant in disease. Therefore, it has been classified as a Variant of Uncertain Significance.

Ambry Genetics
Classification: Uncertain significance for Hereditary cancer-predisposing syndrome. Last evaluated: 2024-02-21. Review status: criteria provided, single submitter. Criteria: Ambry Variant Classification Scheme 2023. Collection method: clinical testing. Allele origin: germline.
Comment: The c.1815-3T>G intronic variant results from a T to G substitution 3 nucleotides before coding exon 19 in the RB1 gene. This nucleotide position is well conserved in available vertebrate species. In silico splice site analysis predicts that this alteration will result in the creation or strengthening of a novel splice acceptor site. RNA studies have demonstrated that this alteration results in a transcript predicted to lead to a protein with an in-frame deletion of 7 amino acids and insertion of 1 amino acid; however, the exact functional impact of the deleted/inserted amino acids is unknown at this time (Ambry internal data). Based on the available evidence, the clinical significance of this alteration remains unclear.

Literature cited by the submitters: PubMed 17576681 (cited by Labcorp Genetics (formerly Invitae), Labcorp); PubMed 9536098 (cited by Labcorp Genetics (formerly Invitae), Labcorp).